The following is an entry in ClinVar:

ClinVar aggregate classification (germline): Uncertain significance (1 of 4 stars; one submission).

Conditions:
EGFR-related lung cancer (EGFR). Identifiers: MedGen CN130014.

gnomAD v4.1: 1 of 1,614,200 alleles (0.000062%); highest among the groups gnomAD compares: Non-Finnish European, 0.000085%; no homozygotes.

Submission:

Labcorp Genetics (formerly Invitae), Labcorp
Classification: Uncertain significance for EGFR-related lung cancer. Last evaluated: 2025-12-10. Review status: criteria provided, single submitter. Criteria: Invitae Variant Classification Sherloc (09022015). Collection method: clinical testing. Allele origin: germline.
Comment: This sequence change replaces serine, which is neutral and polar, with proline, which is neutral and non-polar, at codon 116 of the EGFR protein (p.Ser116Pro). This variant is not present in population databases (gnomAD no frequency). This variant has not been reported in the literature in individuals affected with EGFR-related conditions. Invitae Evidence Modeling of protein sequence and biophysical properties (such as structural, functional, and spatial information, amino acid conservation, physicochemical variation, residue mobility, and thermodynamic stability) indicates that this missense variant is not expected to disrupt EGFR protein function with a negative predictive value of 80%. In summary, the available evidence is currently insufficient to determine the role of this variant in disease. Therefore, it has been classified as a Variant of Uncertain Significance.

NM_005228.5(EGFR):c.346T>C (p.Ser116Pro)

Gene: EGFR (epidermal growth factor receptor; plus strand). Cytogenetic location: 7p11.2.
Variant type: single nucleotide variant.
Coding change: c.346T>C on transcript NM_005228.5 (MANE Select); coding-DNA position 346, T replaced by C.
Protein change: p.Ser116Pro; replaces serine 116 with proline.
Molecular consequence: missense variant. On other transcripts: intron variant (1).
Genome position (GRCh38, 1-based): chr7:55,143,410, T>C. VCF-style: chr7-55143410-T-C. GRCh37 (hg19) VCF-style: chr7-55211103-T-C.
Other names: c.346T>C, p.Ser116Pro (NM_001346897.2, NM_001346898.2, NM_001346899.2 and 3 more transcripts); c.187T>C, p.Ser63Pro (NM_001346900.2); c.89-12420T>C (NM_001346941.2); short protein forms S116P, S63P.
Identifiers: ClinVar variation 4806467 (VCV004806467.1).